The following is an entry in ClinVar:

NM_015693.4(INTU):c.2362A>T (p.Thr788Ser)

Genes: INTU (inturned planar cell polarity protein; plus strand), LOC123480930 (P300/CBP strongly-dependent group 1 enhancer GRCh37_chr4:128629462-128630661; plus strand). Cytogenetic location: 4q28.1.
Variant type: single nucleotide variant.
Coding change: c.2362A>T on transcript NM_015693.4 (MANE Select); coding-DNA position 2362, A replaced by T.
Protein change: p.Thr788Ser; replaces threonine 788 with serine.
Molecular consequence: missense variant.
Genome position (GRCh38, 1-based): chr4:127,708,661, A>T. VCF-style: chr4-127708661-A-T. GRCh37 (hg19) VCF-style: chr4-128629816-A-T.
Other names: short protein forms T788S.
Identifiers: ClinVar variation 3667055 (VCV003667055.2).

ClinVar aggregate classification (germline): Uncertain significance (1 of 4 stars; one submission).

Submission:

Labcorp Genetics (formerly Invitae), Labcorp
Classification: Uncertain significance. Last evaluated: 2024-11-19. Review status: criteria provided, single submitter. Criteria: Invitae Variant Classification Sherloc (09022015). Collection method: clinical testing. Allele origin: germline.
Comment: This sequence change replaces threonine, which is neutral and polar, with serine, which is neutral and polar, at codon 788 of the INTU protein (p.Thr788Ser). This variant is not present in population databases (gnomAD no frequency). This variant has not been reported in the literature in individuals affected with INTU-related conditions. Invitae Evidence Modeling of protein sequence and biophysical properties (such as structural, functional, and spatial information, amino acid conservation, physicochemical variation, residue mobility, and thermodynamic stability) indicates that this missense variant is not expected to disrupt INTU protein function with a negative predictive value of 80%. In summary, the available evidence is currently insufficient to determine the role of this variant in disease. Therefore, it has been classified as a Variant of Uncertain Significance.